The following is an entry in ClinVar:

NM_000350.3(ABCA4):c.3476T>C (p.Leu1159Ser)

Gene: ABCA4 (ATP binding cassette subfamily A member 4; minus strand). Cytogenetic location: 1p22.1.
Variant type: single nucleotide variant.
Coding change: c.3476T>C on transcript NM_000350.3 (MANE Select); coding-DNA position 3476, T replaced by C.
Protein change: p.Leu1159Ser; replaces leucine 1159 with serine.
Molecular consequence: missense variant.
Genome position (GRCh38, 1-based): chr1:94,041,255, A>G on the plus strand (T>C on the coding strand, the complement: ABCA4 is on the minus strand). VCF-style: chr1-94041255-A-G. GRCh37 (hg19) VCF-style: chr1-94506811-A-G.
Other names: NM_000350.3:c.3476T>C; c.3254T>C, p.Leu1085Ser (NM_001425324.1); short protein forms L1085S, L1159S.
Identifiers: ClinVar variation 4879985 (VCV004879985.2).

ClinVar aggregate classification (germline): Likely pathogenic. Review status: reviewed by expert panel (3 of 4 stars). 2 submissions from 2 submitters: Likely pathogenic (1). 1 of the submissions does not count toward it. Last evaluated 2026-05-05.

Conditions:
ABCA4-related retinopathy. Also called: ABCA4-related retinoapthy; ABCA4 retinoapthy. Identifiers: MedGen CN322612, MONDO:0800406.
ABCA4-related disorder. Also called: ABCA4-related condition; ABCA4-related disorders. Identifiers: MedGen CN239167.

Submissions (2):

ClinGen ABCA4 Variant Curation Expert Panel, Clingen
Classification: Likely pathogenic for ABCA4-related retinopathy. Last evaluated: 2026-05-05. Review status: reviewed by expert panel. Criteria: ClinGen ABCA4 ACMG Specifications V1.0.0. Collection method: curation. Allele origin: germline. Inheritance: Autosomal recessive inheritance.
Comment: The NM_000350.3(ABCA4):c.3476T>C variant in ABCA4 is a missense variant predicted to cause substitution of arginine by leucine at amino acid 1159 (p.Leu1159Ser) is absent from gnomAD v4.1.0 (PM2_Supporting). The prevalence of the variant in affected individuals is significantly increased compared with the prevalence in controls. The OR is infinity and the CI is 14.02 to infinity, which is above the ABCA4 VCEP threshold of >5, where the CI does not contain 1 (PS4; PMID: 35120629). This variant has been detected in at least two individuals with ABCA4-related retinopathy. Of those individuals, one was compound heterozygous for the variant and a pathogenic or likely pathogenic variant, confirmed in trans by family testing, and one individual was homozygous for the variant (PM3; PMID: 37774808). In summary, this variant meets the criteria to be classified as likely pathogenic for ABCA4-related retinopathy based on the ACMG/AMP criteria applied, as specified by the ClinGen ABCA4 VCEP specification version 1.0.0: PS4, PM3, PM2_Supporting.

Blueprint Genetics
Classification: Likely pathogenic for ABCA4-related disorders. Last evaluated: 2020-12-22. Review status: criteria provided, single submitter. Criteria: ACMG Guidelines, 2015. Collection method: clinical testing. Allele origin: germline. Affected: yes. Observed: 1 variant allele. Not counted in ClinVar's aggregate classification.